The following is an entry in ClinVar:

NM_000141.5(FGFR2):c.1820C>T (p.Thr607Ile)

Gene: FGFR2 (fibroblast growth factor receptor 2; minus strand). Cytogenetic location: 10q26.13.
Variant type: single nucleotide variant.
Coding change: c.1820C>T on transcript NM_000141.5 (MANE Select); coding-DNA position 1820, C replaced by T.
Protein change: p.Thr607Ile; replaces threonine 607 with isoleucine.
Molecular consequence: missense variant. On other transcripts: non-coding transcript variant (1).
Genome position (GRCh38, 1-based): chr10:121,496,575, G>A on the plus strand (C>T on the coding strand, the complement: FGFR2 is on the minus strand). VCF-style: chr10-121496575-G-A. GRCh37 (hg19) VCF-style: chr10-123256089-G-A.
Other names: c.1823C>T, p.Thr608Ile (NM_001144913.1, NM_022970.4); c.1484C>T, p.Thr495Ile (NM_001144914.1); c.1553C>T, p.Thr518Ile (NM_001144915.2, NM_023029.3); c.1475C>T, p.Thr492Ile (NM_001144916.2); c.1472C>T, p.Thr491Ile (NM_001144917.2); c.1469C>T, p.Thr490Ile (NM_001144918.2); c.1556C>T, p.Thr519Ile (NM_001144919.2); c.1136C>T, p.Thr379Ile (NM_001320654.2); and 1 more; short protein forms T379I, T490I, T491I, T492I, T495I, T518I, T519I, T605I.
Identifiers: ClinVar variation 4070618 (VCV004070618.1).

ClinVar aggregate classification (germline): Uncertain significance (1 of 4 stars; one submission).

Submission:

GeneDx
Classification: Uncertain significance. Last evaluated: 2025-01-15. Review status: criteria provided, single submitter. Criteria: GeneDx Variant Classification Process June 2021. Collection method: clinical testing. Allele origin: germline. Affected: yes.
Comment: Not observed at significant frequency in large population cohorts (gnomAD); In silico analysis supports that this missense variant has a deleterious effect on protein structure/function; Has not been previously published as pathogenic or benign to our knowledge